The following is an entry in ClinVar:

NM_001134363.3(RBM20):c.2331T>G (p.Asp777Glu)

Gene: RBM20 (RNA binding motif protein 20; plus strand). Cytogenetic location: 10q25.2.
Variant type: single nucleotide variant.
Coding change: c.2331T>G on transcript NM_001134363.3 (MANE Select); coding-DNA position 2331, T replaced by G.
Protein change: p.Asp777Glu; replaces aspartic acid 777 with glutamic acid.
Molecular consequence: missense variant.
Genome position (GRCh38, 1-based): chr10:110,812,728, T>G. VCF-style: chr10-110812728-T-G. GRCh37 (hg19) VCF-style: chr10-112572486-T-G.
Other names: short protein forms D777E.
Identifiers: ClinVar variation 959626 (VCV000959626.9), dbSNP rs1428730678, ClinGen allele CA378373399.

ClinVar aggregate classification (germline): Uncertain significance (1 of 4 stars; one submission).

Conditions:
Dilated cardiomyopathy 1DD (CMD1DD). Identifiers: Orphanet 154, MedGen C2750995, MONDO:0013168, OMIM 613172.

Submission:

Labcorp Genetics (formerly Invitae), Labcorp
Classification: Uncertain significance for Dilated cardiomyopathy 1DD. Last evaluated: 2019-11-01. Review status: criteria provided, single submitter. Criteria: Invitae Variant Classification Sherloc (09022015). Collection method: clinical testing. Allele origin: germline.
Comment: This sequence change replaces aspartic acid with glutamic acid at codon 777 of the RBM20 protein (p.Asp777Glu). The aspartic acid residue is moderately conserved and there is a small physicochemical difference between aspartic acid and glutamic acid. In summary, the available evidence is currently insufficient to determine the role of this variant in disease. Therefore, it has been classified as a Variant of Uncertain Significance. Algorithms developed to predict the effect of missense changes on protein structure and function output the following: SIFT: "Tolerated"; PolyPhen-2: "Benign"; Align-GVGD: "Class C0". The glutamic acid amino acid residue is found in multiple mammalian species, suggesting that this missense change does not adversely affect protein function. These predictions have not been confirmed by published functional studies and their clinical significance is uncertain. This variant has not been reported in the literature in individuals with RBM20-related conditions. This variant is not present in population databases (ExAC no frequency).